The following is an entry in ClinVar:

NM_001277115.2(DNAH11):c.2772G>A (p.Met924Ile)

Gene: DNAH11 (dynein axonemal heavy chain 11; plus strand). Cytogenetic location: 7p15.3.
Variant type: single nucleotide variant.
Coding change: c.2772G>A on transcript NM_001277115.2 (MANE Select); coding-DNA position 2772, G replaced by A.
Protein change: p.Met924Ile; replaces methionine 924 with isoleucine.
Molecular consequence: missense variant.
Genome position (GRCh38, 1-based): chr7:21,599,891, G>A. VCF-style: chr7-21599891-G-A. GRCh37 (hg19) VCF-style: chr7-21639509-G-A.
Other names: short protein forms M924I.
Identifiers: ClinVar variation 525223 (VCV000525223.14), dbSNP rs766050153, ClinGen allele CA4179428.
Genomic context (GRCh38, chr7:21,599,891, plus strand): 5'-GAAAATTTATGTAGAATTCATTGACGACATTGTGGTGGAAGGCTTTTTTCAGGCTATAAT[G>A]CACGACTTAGACTTCTTTCTGAAGAATACAGAGAAACAATTGAAACCGGCACCGTTTTTT-3'
Protein context (NP_001264044.1, residues 914-934): IVVEGFFQAI[Met924Ile]HDLDFFLKNT

ClinVar aggregate classification (germline): Conflicting classifications of pathogenicity. Review status: criteria provided, conflicting classifications (1 of 4 stars). 3 submissions from 3 submitters: Uncertain significance (2); Likely benign (1). Last evaluated 2025-12-22.

Conditions:
Primary ciliary dyskinesia 7. Also called: CILIARY DYSKINESIA, PRIMARY, 7, WITH OR WITHOUT SITUS INVERSUS. Identifiers: Orphanet 244, MedGen C2678473, MONDO:0012748, OMIM 611884.
Primary ciliary dyskinesia. Also called: Ciliary dyskinesia. Identifiers: Orphanet 244, MedGen C0008780, MONDO:0016575, HP:0012265.

Allele frequency attached by ClinVar (database versions not stated): gnomAD 0.00004 and 0.00005; TOPMed 0.00008; gnomAD exomes 0.00009 and 0.00016; ExAC 0.00016.
gnomAD v4.1: 154 of 1,612,646 alleles (0.0095%); highest among the groups gnomAD compares: Middle Eastern, 0.12%; no homozygotes.

Submissions (3):

Labcorp Genetics (formerly Invitae), Labcorp
Classification: Likely benign for Primary ciliary dyskinesia. Last evaluated: 2025-12-22. Review status: criteria provided, single submitter. Criteria: Invitae Variant Classification Sherloc (09022015). Collection method: clinical testing. Allele origin: germline.

GeneDx
Classification: Uncertain significance. Last evaluated: 2024-05-24. Review status: criteria provided, single submitter. Criteria: GeneDx Variant Classification Process June 2021. Collection method: clinical testing. Allele origin: germline.
Comment: In silico analysis indicates that this missense variant does not alter protein structure/function; This variant is associated with the following publications: (PMID: 32633470)

Department of Pathology and Laboratory Medicine, Sinai Health System
Classification: Uncertain significance for primary ciliary dyskinesia 7. Last evaluated: 2021-10-18. Review status: criteria provided, single submitter. Criteria: ACMG Guidelines, 2015. Collection method: research. Allele origin: germline.